The following is an entry in ClinVar:

ClinVar aggregate classification (germline): Uncertain significance (0 of 4 stars; one submission).

Conditions:
TTN-related disorder. Also called: TTN-related condition; TTN-related disease; TTN-related disorders.

Submission:

PreventionGenetics, part of Exact Sciences
Classification: Uncertain significance for TTN-related condition. Last evaluated: 2024-08-31. Review status: no assertion criteria provided. Collection method: clinical testing. Allele origin: germline.
Comment: The TTN c.98629G>A variant is predicted to result in the amino acid substitution p.Gly32877Ser. To our knowledge, this variant has not been reported in the literature or in a large population database, indicating this variant is rare. At this time, the clinical significance of this variant is uncertain due to the absence of conclusive functional and genetic evidence.

NM_001267550.2(TTN):c.98629G>A (p.Gly32877Ser)

Genes: TTN (titin; minus strand), TTN-AS1 (TTN antisense RNA 1; plus strand). Cytogenetic location: 2q31.2.
Variant type: single nucleotide variant.
Coding change: c.98629G>A on transcript NM_001267550.2 (MANE Select); coding-DNA position 98629, G replaced by A.
Protein change: p.Gly32877Ser; replaces glycine 32877 with serine.
Molecular consequence: missense variant. On other transcripts: non-coding transcript variant (1).
Genome position (GRCh38, 1-based): chr2:178,539,436, C>T on the plus strand (G>A on the coding strand, the complement: TTN is on the minus strand). VCF-style: chr2-178539436-C-T. GRCh37 (hg19) VCF-style: chr2-179404163-C-T.
Other names: c.93706G>A, p.Gly31236Ser (NM_001256850.1); c.71434G>A, p.Gly23812Ser (NM_003319.4); c.90925G>A, p.Gly30309Ser (NM_133378.4); c.71809G>A, p.Gly23937Ser (NM_133432.3); c.72010G>A, p.Gly24004Ser (NM_133437.4); short protein forms G23812S, G23937S, G24004S, G30309S, G31236S, G32877S.
Identifiers: ClinVar variation 3355292 (VCV003355292.1).